The following is an entry in ClinVar:

NM_006005.3(WFS1):c.2337G>A (p.Val779=)

Gene: WFS1 (wolframin ER transmembrane glycoprotein; plus strand). Cytogenetic location: 4p16.1.
Variant type: single nucleotide variant.
Coding change: c.2337G>A on transcript NM_006005.3 (MANE Select); coding-DNA position 2337, G replaced by A.
Protein change: p.Val779=; no amino-acid change (valine 779 retained).
Molecular consequence: synonymous variant.
Genome position (GRCh38, 1-based): chr4:6,302,132, G>A. VCF-style: chr4-6302132-G-A. GRCh37 (hg19) VCF-style: chr4-6303859-G-A.
Other names: c.2337G>A, p.Val779= (NM_001145853.1).
Identifiers: ClinVar variation 2442243 (VCV002442243.1), dbSNP rs1299034736, ClinGen allele CA438368262.
Genomic context (GRCh38, chr4:6,302,132, plus strand): 5'-GCTGGCCAAGCACCCCTGCCACATCAAGAAGTTCGACCGCTACAAGTTTGAGATTACCGT[G>A]GGCATGCCATTCAGCAGCGGCGCTGACGGCTCGCGCAGCCGCGAGGAGGACGACGTCACC-3'
Protein context (NP_005996.2, residues 769-789): KFDRYKFEIT[Val779=]GMPFSSGADG

ClinVar aggregate classification (germline): Benign (1 of 4 stars; one submission).

Conditions:
Wolfram syndrome 1 (WFS1). Identifiers: Orphanet 3463, MedGen C4551693, MONDO:0009101, OMIM 222300.

Allele frequency attached by ClinVar (database versions not stated): TOPMed below 0.00001.
gnomAD v4.1: 1 of 1,612,952 alleles (0.000062%); highest among the groups gnomAD compares: South Asian, 0.0011%; no homozygotes.

Submission:

Clinical Genomics, Uppaluri K&H Personalized Medicine Clinic
Classification: Benign for Wolfram syndrome 1. Review status: criteria provided, single submitter. Criteria: K & H Uppaluri Personalized Medicine Clinic Variant Classification & Assertion Criteria_Updated V.1. Collection method: research. Allele origin: unknown. Inheritance: Autosomal recessive inheritance.
Comment: Potent mutations in WFS1 gene are associated with Wolfram's syndrome, an autosomal recessive condition, which cause diabetes mellitus, diabetes insipidus, deafness and optic atrophy. However no sufficient evidence is found to ascertain the role of this particular variant rs1299034736 in Wolfram's syndrome yet.

Literature cited by the submitters: PubMed 20738327; PubMed 33879153; PubMed 12955714; PubMed 18060660; PubMed 20301750; PubMed 17603484.